The following is an entry in ClinVar:

ClinVar aggregate classification (germline): Uncertain significance (1 of 4 stars; one submission).

Conditions:
Aortic aneurysm, familial thoracic 7 (AAT7). Also called: AORTIC DISSECTION, FAMILIAL, WITH OR WITHOUT AORTIC ANEURYSM. Identifiers: MedGen C3151077, MONDO:0013418, OMIM 613780.

Allele frequency attached by ClinVar (database versions not stated): TOPMed 0.00001.

Submission:

Labcorp Genetics (formerly Invitae), Labcorp
Classification: Uncertain significance for Aortic aneurysm, familial thoracic 7. Last evaluated: 2022-03-04. Review status: criteria provided, single submitter. Criteria: Invitae Variant Classification Sherloc (09022015). Collection method: clinical testing. Allele origin: germline.
Comment: This variant has not been reported in the literature in individuals affected with MYLK-related conditions. In summary, the available evidence is currently insufficient to determine the role of this variant in disease. Therefore, it has been classified as a Variant of Uncertain Significance. Advanced modeling of protein sequence and biophysical properties (such as structural, functional, and spatial information, amino acid conservation, physicochemical variation, residue mobility, and thermodynamic stability) performed at Invitae indicates that this missense variant is not expected to disrupt MYLK protein function. This variant is not present in population databases (gnomAD no frequency). This sequence change replaces serine, which is neutral and polar, with proline, which is neutral and non-polar, at codon 647 of the MYLK protein (p.Ser647Pro).

NM_053025.4(MYLK):c.1939T>C (p.Ser647Pro)

Gene: MYLK (myosin light chain kinase; minus strand). Cytogenetic location: 3q21.1.
Variant type: single nucleotide variant.
Coding change: c.1939T>C on transcript NM_053025.4 (MANE Select); coding-DNA position 1939, T replaced by C.
Protein change: p.Ser647Pro; replaces serine 647 with proline.
Molecular consequence: missense variant.
Genome position (GRCh38, 1-based): chr3:123,709,759, A>G on the plus strand (T>C on the coding strand, the complement: MYLK is on the minus strand). VCF-style: chr3-123709759-A-G. GRCh37 (hg19) VCF-style: chr3-123428606-A-G.
Other names: c.1411T>C, p.Ser471Pro (NM_001321309.2); c.1732T>C, p.Ser578Pro (NM_053026.4, NM_053028.4); c.1939T>C, p.Ser647Pro (NM_053027.4); short protein forms S471P, S578P, S647P.
Identifiers: ClinVar variation 2106009 (VCV002106009.4), dbSNP rs1305594540, ClinGen allele CA354234631.